The following is an entry in ClinVar:

ClinVar aggregate classification (germline): Uncertain significance (1 of 4 stars; one submission).

Submission:

Labcorp Genetics (formerly Invitae), Labcorp
Classification: Uncertain significance. Last evaluated: 2023-12-11. Review status: criteria provided, single submitter. Criteria: Invitae Variant Classification Sherloc (09022015). Collection method: clinical testing. Allele origin: germline.
Comment: This sequence change replaces phenylalanine, which is neutral and non-polar, with leucine, which is neutral and non-polar, at codon 1964 of the DOCK6 protein (p.Phe1964Leu). This variant is not present in population databases (gnomAD no frequency). This variant has not been reported in the literature in individuals affected with DOCK6-related conditions. ClinVar contains an entry for this variant (Variation ID: 1713589). Advanced modeling of protein sequence and biophysical properties (such as structural, functional, and spatial information, amino acid conservation, physicochemical variation, residue mobility, and thermodynamic stability) performed at Invitae indicates that this missense variant is not expected to disrupt DOCK6 protein function with a negative predictive value of 80%. In summary, the available evidence is currently insufficient to determine the role of this variant in disease. Therefore, it has been classified as a Variant of Uncertain Significance.

NM_020812.4(DOCK6):c.5892C>G (p.Phe1964Leu)

Gene: DOCK6 (dedicator of cytokinesis 6; minus strand). Cytogenetic location: 19p13.2.
Variant type: single nucleotide variant.
Coding change: c.5892C>G on transcript NM_020812.4 (MANE Select); coding-DNA position 5892, C replaced by G.
Protein change: p.Phe1964Leu; replaces phenylalanine 1964 with leucine.
Molecular consequence: missense variant.
Genome position (GRCh38, 1-based): chr19:11,200,763, G>C on the plus strand (C>G on the coding strand, the complement: DOCK6 is on the minus strand). VCF-style: chr19-11200763-G-C. GRCh37 (hg19) VCF-style: chr19-11311439-G-C.
Other names: c.5997C>G, p.Phe1999Leu (NM_001367830.1); short protein forms F1964L, F1999L.
Identifiers: ClinVar variation 1713589 (VCV001713589.5), dbSNP rs2512915573, ClinGen allele CA404069962.